The following is an entry in ClinVar:

ClinVar aggregate classification (germline): Pathogenic (1 of 4 stars; one submission).

Conditions:
Familial cancer of breast. Also called: BREAST CANCER, FAMILIAL; Hereditary breast cancer; hereditary breast carcinoma. Identifiers: Orphanet 227535, MedGen C0346153, MONDO:0016419, OMIM 114480. Disease mechanism: loss of function.

Submission:

Myriad Genetics, Inc.
Classification: Pathogenic for Familial cancer of breast. Last evaluated: 2024-03-07. Review status: criteria provided, single submitter. Criteria: Myriad Autosomal Dominant, Autosomal Recessive and X-Linked Classification Criteria (2023). Collection method: clinical testing. Allele origin: unknown.
Comment: This variant is considered pathogenic. This variant creates a frameshift predicted to result in premature protein truncation.

NM_032043.3(BRIP1):c.1007_1031del (p.Asp336fs)

Gene: BRIP1 (BRCA1 interacting DNA helicase 1; minus strand). Cytogenetic location: 17q23.2.
Variant type: Deletion.
Coding change: c.1007_1031del on transcript NM_032043.3 (MANE Select); coding-DNA positions 1007 to 1031, 25 bases deleted (ATATAGAAGAACTTGTCAGCCTGGG).
Protein change: p.Asp336fs; shifts the reading frame from aspartic acid 336.
Molecular consequence: frameshift variant.
Genome position (GRCh38, 1-based): chr17:61,801,362-61,801,386, CCCAGGCTGACAAGTTCTTCTATAT deleted on the plus strand (ATATAGAAGAACTTGTCAGCCTGGG on the coding strand, the reverse complement: BRIP1 is on the minus strand); deleting any 25 consecutive bases within chr17:61,801,362-61,801,394 gives the same sequence; the c. name uses the placement nearest the transcript's 3' end. VCF-style (leftmost placement, unchanged base first): chr17-61801361-CCCCAGGCTGACAAGTTCTTCTATAT-C. GRCh37 (hg19) VCF-style: chr17-59878722-CCCCAGGCTGACAAGTTCTTCTATAT-C.
Other names: short protein forms D336fs.
Identifiers: ClinVar variation 3148579 (VCV003148579.1), dbSNP rs2545154252, ClinGen allele CA2825002580.
Genomic context (GRCh38, chr17:61,801,361, plus strand): 5'-GATGTCAGCATCTTGTATTAGTTCTCGGGCTGTGTAATATGGACAGGCCTTTAGTTTCTT[CCCCAGGCTGACAAGTTCTTCTATAT>C]CCCAGGCTTTGCACATCCCTTGGAAAGTCTGTAATGTGTGCTGATCACTAATTTTATGAA-3'